The following is an entry in ClinVar:

NM_001905.4(CTPS1):c.1060T>C (p.Tyr354His)

Gene: CTPS1 (CTP synthase 1; plus strand). Cytogenetic location: 1p34.2.
Variant type: single nucleotide variant.
Coding change: c.1060T>C on transcript NM_001905.4 (MANE Select); coding-DNA position 1060, T replaced by C.
Protein change: p.Tyr354His; replaces tyrosine 354 with histidine.
Molecular consequence: missense variant. On other transcripts: non-coding transcript variant (1).
Genome position (GRCh38, 1-based): chr1:41,001,083, T>C. VCF-style: chr1-41001083-T-C. GRCh37 (hg19) VCF-style: chr1-41466755-T-C.
Other names: c.592T>C, p.Tyr198His (NM_001301237.2); short protein forms Y198H, Y354H.
Identifiers: ClinVar variation 3022672 (VCV003022672.3), dbSNP rs1642892689, ClinGen allele CA339905272.

ClinVar aggregate classification (germline): Uncertain significance (1 of 4 stars; one submission).

Conditions:
Combined immunodeficiency due to CTPS1 deficiency. Also called: Severe combined immunodeficiency due to CTPS1 deficiency; Immunodeficiency 24. Identifiers: Orphanet 420573, MedGen C4014617, MONDO:0014391, OMIM 615897.

Allele frequency attached by ClinVar (database versions not stated): gnomAD 0.00001.
gnomAD v4.1: 5 of 1,612,430 alleles (0.00031%); highest among the groups gnomAD compares: African/African-American, 0.0013%; no homozygotes.

Submission:

Labcorp Genetics (formerly Invitae), Labcorp
Classification: Uncertain significance for Combined immunodeficiency due to CTPS1 deficiency. Last evaluated: 2022-12-09. Review status: criteria provided, single submitter. Criteria: Invitae Variant Classification Sherloc (09022015). Collection method: clinical testing. Allele origin: germline.
Comment: This sequence change replaces tyrosine, which is neutral and polar, with histidine, which is basic and polar, at codon 354 of the CTPS1 protein (p.Tyr354His). This variant is not present in population databases (gnomAD no frequency). This variant has not been reported in the literature in individuals affected with CTPS1-related conditions. Algorithms developed to predict the effect of missense changes on protein structure and function are either unavailable or do not agree on the potential impact of this missense change (SIFT: "Deleterious"; PolyPhen-2: "Benign"; Align-GVGD: "Class C0"). In summary, the available evidence is currently insufficient to determine the role of this variant in disease. Therefore, it has been classified as a Variant of Uncertain Significance.